The following is an entry in ClinVar:

NM_004497.3(FOXA3):c.874C>G (p.Leu292Val)

Gene: FOXA3 (forkhead box A3; plus strand). Cytogenetic location: 19q13.32.
Variant type: single nucleotide variant.
Coding change: c.874C>G on transcript NM_004497.3 (MANE Select); coding-DNA position 874, C replaced by G.
Protein change: p.Leu292Val; replaces leucine 292 with valine.
Molecular consequence: missense variant.
Genome position (GRCh38, 1-based): chr19:45,872,879, C>G. VCF-style: chr19-45872879-C-G. GRCh37 (hg19) VCF-style: chr19-46376137-C-G.
Other names: short protein forms L292V.
Identifiers: ClinVar variation 3048252 (VCV003048252.2), dbSNP rs541734780, ClinGen allele CA9524611.

ClinVar aggregate classification (germline): Likely benign (0 of 4 stars; one submission).

Conditions:
FOXA3-related disorder. Also called: FOXA3-related condition.

Allele frequency attached by ClinVar (database versions not stated): TOPMed 0.00004; gnomAD 0.00011; gnomAD exomes 0.00021; ExAC 0.00042; 1000 Genomes Project 0.00060; 1000 Genomes Project 30x 0.00062.

Submission:

PreventionGenetics, part of Exact Sciences
Classification: Likely benign for FOXA3-related condition. Last evaluated: 2022-09-20. Review status: no assertion criteria provided. Collection method: clinical testing. Allele origin: germline.
Comment: This variant is classified as likely benign based on ACMG/AMP sequence variant interpretation guidelines (Richards et al. 2015 PMID: 25741868, with internal and published modifications).